The following is an entry in ClinVar:

ClinVar aggregate classification (germline): Conflicting classifications of pathogenicity. Review status: criteria provided, conflicting classifications (1 of 4 stars). 4 submissions from 4 submitters: Uncertain significance (2); Likely benign (1). 1 of the submissions does not count toward it. Last evaluated 2025-08-06.

Allele frequency attached by ClinVar (database versions not stated): 1000 Genomes Project 30x 0.00016; ExAC 0.00027; gnomAD 0.00027 and 0.00028; TOPMed 0.00032; gnomAD exomes 0.00035 and 0.00043.
gnomAD v4.1: 642 of 1,534,314 alleles (0.042%); highest among the groups gnomAD compares: Middle Eastern, 1.3%; 3 homozygotes.

Submissions (4):

Ambry Genetics
Classification: Uncertain significance. Last evaluated: 2025-08-06. Review status: criteria provided, single submitter. Criteria: Ambry Variant Classification Scheme 2023. Collection method: clinical testing. Allele origin: germline.

CeGaT Center for Human Genetics Tuebingen
Classification: Likely benign. Last evaluated: 2024-09-01. Review status: criteria provided, single submitter. Criteria: CeGaT Center For Human Genetics Tuebingen Variant Classification Criteria Version 2. Collection method: clinical testing. Allele origin: germline. Affected: yes. Observed: 2 variant alleles.
Comment: FSIP2: BP4

Breakthrough Genomics
Classification: Uncertain significance. Review status: criteria provided, single submitter. Criteria: ACMG Guidelines, 2015. Collection method: not provided. Allele origin: germline. Inheritance: Autosomal recessive inheritance. Affected: yes.

Department of Pathology and Laboratory Medicine, Sinai Health System
Classification: Uncertain significance. Review status: no assertion criteria provided. Collection method: clinical testing. Allele origin: unknown. Affected: yes. Study: The Canadian Open Genetics Repository (COGR). Not counted in ClinVar's aggregate classification.
Comment: The FSIP2 p.S1533T variant was not identified in the literature nor was it identified in ClinVar. The variant was identified in dbSNP (ID: rs200352552) and in control databases in 55 of 169372 chromosomes at a frequency of 0.0003247, and was observed at the highest frequency in the European (non-Finnish) population in 41 of 69584 chromosomes (freq: 0.0005892) (Genome Aggregation Database March 6, 2019, v2.1.1). The p.S1533 residue is conserved in mammals and computational analyses (MUT Assesor, PolyPhen-2, SIFT, MutationTaster, Revel, FATHMM, MetaLR, DANN) do not suggest a high likelihood of impact to the protein; this information is not predictive enough to rule out pathogenicity. The variant occurs outside of the splicing consensus sequence and in silico or computational prediction software programs (Splice AI exome) do not predict a difference in splicing. In summary, based on the above information the clinical significance of this variant cannot be determined with certainty at this time. This variant is classified as a variant of uncertain significance.

NM_173651.4(FSIP2):c.4597T>A (p.Ser1533Thr)

Genes: FSIP2-AS1 (FSIP2 antisense RNA 1; minus strand), FSIP2 (fibrous sheath interacting protein 2; plus strand). Cytogenetic location: 2q32.1.
Variant type: single nucleotide variant.
Coding change: c.4597T>A on transcript NM_173651.4 (MANE Select); coding-DNA position 4597, T replaced by A.
Protein change: p.Ser1533Thr; replaces serine 1533 with threonine.
Molecular consequence: missense variant.
Genome position (GRCh38, 1-based): chr2:185,791,733, T>A. VCF-style: chr2-185791733-T-A. GRCh37 (hg19) VCF-style: chr2-186656460-T-A.
Other names: c.4864T>A (NM_173651.2); short protein forms S1533T.
Identifiers: ClinVar variation 1048953 (VCV001048953.35), dbSNP rs200352552, ClinGen allele CA2016658.